The following is an entry in ClinVar:

ClinVar aggregate classification (germline): Uncertain significance. Review status: criteria provided, multiple submitters, no conflicts (2 of 4 stars). 3 submissions from 3 submitters: Uncertain significance (2). 1 of the submissions does not count toward it. Last evaluated 2025-07-09.

Conditions:
VHL-related disorder. Also called: VHL-related condition.
Von Hippel-Lindau syndrome (VHLS). Also called: von Hippel–Lindau syndrome; VHL syndrome; Von Hippel-Lindau. Identifiers: Orphanet 892, MedGen C0019562, MONDO:0008667, OMIM 193300. Disease mechanism: loss of function.
Chuvash polycythemia. Also called: POLYCYTHEMIA, VHL-DEPENDENT. Identifiers: Orphanet 238557, MedGen C1837915, MONDO:0009892, OMIM 263400.
Hereditary cancer-predisposing syndrome. Also called: Hereditary neoplastic syndrome; Tumor predisposition; Hereditary Cancer Syndrome; Neoplastic Syndromes, Hereditary. Identifiers: Orphanet 140162, MedGen C0027672, MeSH D009386, MONDO:0015356.

gnomAD v4.1: 2 of 1,575,338 alleles (0.00013%); highest among the groups gnomAD compares: Non-Finnish European, 0.00017%; no homozygotes.

Submissions (3):

Ambry Genetics
Classification: Uncertain significance for Hereditary cancer-predisposing syndrome. Last evaluated: 2025-07-09. Review status: criteria provided, single submitter. Criteria: Ambry Variant Classification Scheme 2023. Collection method: clinical testing. Allele origin: germline.
Comment: The p.G49D variant (also known as c.146G>A), located in coding exon 1 of the VHL gene, results from a G to A substitution at nucleotide position 146. The glycine at codon 49 is replaced by aspartic acid, an amino acid with similar properties. This amino acid position is well conserved in available vertebrate species. In addition, this alteration is predicted to be tolerated by in silico analysis. Since supporting evidence is limited at this time, the clinical significance of this alteration remains unclear.

Labcorp Genetics (formerly Invitae), Labcorp
Classification: Uncertain significance for Von Hippel-Lindau syndrome; Chuvash polycythemia. Last evaluated: 2023-12-11. Review status: criteria provided, single submitter. Criteria: Invitae Variant Classification Sherloc (09022015). Collection method: clinical testing. Allele origin: germline.
Comment: This sequence change replaces glycine, which is neutral and non-polar, with aspartic acid, which is acidic and polar, at codon 49 of the VHL protein (p.Gly49Asp). This variant is not present in population databases (gnomAD no frequency). This variant has not been reported in the literature in individuals affected with VHL-related conditions. ClinVar contains an entry for this variant (Variation ID: 1424577). Advanced modeling of protein sequence and biophysical properties (such as structural, functional, and spatial information, amino acid conservation, physicochemical variation, residue mobility, and thermodynamic stability) performed at Invitae indicates that this missense variant is not expected to disrupt VHL protein function with a negative predictive value of 95%. In summary, the available evidence is currently insufficient to determine the role of this variant in disease. Therefore, it has been classified as a Variant of Uncertain Significance.

PreventionGenetics, part of Exact Sciences
Classification: Uncertain significance for VHL-related condition. Last evaluated: 2024-08-12. Review status: no assertion criteria provided. Collection method: clinical testing. Allele origin: germline. Not counted in ClinVar's aggregate classification.
Comment: The VHL c.146G>A variant is predicted to result in the amino acid substitution p.Gly49Asp. To our knowledge, this variant has not been reported in the literature or in a large population database, indicating this variant is rare. This variant has an interpretation of uncertain significance in ClinVar. At this time, the clinical significance of this variant is uncertain due to the absence of conclusive functional and genetic evidence.

NM_000551.4(VHL):c.146G>A (p.Gly49Asp)

Gene: VHL (von Hippel-Lindau tumor suppressor; plus strand). Cytogenetic location: 3p25.3.
Variant type: single nucleotide variant.
Coding change: c.146G>A on transcript NM_000551.4 (MANE Select); coding-DNA position 146, G replaced by A.
Protein change: p.Gly49Asp; replaces glycine 49 with aspartic acid.
Molecular consequence: missense variant.
Genome position (GRCh38, 1-based): chr3:10,141,993, G>A. VCF-style: chr3-10141993-G-A. GRCh37 (hg19) VCF-style: chr3-10183677-G-A.
Other names: c.146G>A, p.Gly49Asp (NM_001354723.2, NM_198156.3); short protein forms G49D.
Identifiers: ClinVar variation 1424577 (VCV001424577.10), dbSNP rs1252338161, ClinGen allele CA351748218.